The following is an entry in ClinVar:

NM_000085.5(CLCNKB):c.338G>C (p.Ser113Thr)

Genes: CLCNKB (chloride voltage-gated channel Kb; plus strand), LOC106501713 (CLCNKB recombination region; plus strand). Cytogenetic location: 1p36.13.
Variant type: single nucleotide variant.
Coding change: c.338G>C on transcript NM_000085.5 (MANE Select); coding-DNA position 338, G replaced by C.
Protein change: p.Ser113Thr; replaces serine 113 with threonine.
Molecular consequence: missense variant.
Genome position (GRCh38, 1-based): chr1:16,046,643, G>C. VCF-style: chr1-16046643-G-C. GRCh37 (hg19) VCF-style: chr1-16373138-G-C.
Other names: c.338G>C (NM_000085.3); short protein forms S113T.
Identifiers: ClinVar variation 1920297 (VCV001920297.9), dbSNP rs527773080, ClinGen allele CA623268.
Genomic context (GRCh38, chr1:16,046,643, plus strand): 5'-ATCTCTCCTGGACTGTGTACCCTGTGGCCCTCGTCTCTTTCTCTTCAGGCTTCTCTCAGA[G>C]CATCACACCCTCCTCTGGAGGTGAGTCCACAGTCGCTACGCCAGTCCCCACTGGCCAAAA-3'
Protein context (NP_000076.2, residues 103-123): LVSFSSGFSQ[Ser113Thr]ITPSSGGSGI

ClinVar aggregate classification (germline): Uncertain significance. Review status: criteria provided, multiple submitters, no conflicts (2 of 4 stars). 3 submissions from 3 submitters: Uncertain significance (3). Last evaluated 2026-03-02.

Conditions:
Bartter disease type 3. Also called: Bartter syndrome type 3. Identifiers: Orphanet 112, Orphanet 93605, MedGen C1846343, MONDO:0011822, OMIM 607364.
Bartter disease type 4B. Also called: BARTTER SYNDROME, TYPE 4B; BARTTER SYNDROME, TYPE 4B, NEONATAL, WITH SENSORINEURAL DEAFNESS; Bartter syndrome, type 4b, digenic. Identifiers: Orphanet 112, MedGen C4310805, MONDO:0000909, OMIM 613090.
Inborn genetic diseases. Identifiers: MedGen C0950123, MeSH D030342.

Allele frequency attached by ClinVar (database versions not stated): gnomAD 0.00001; ExAC 0.00002; TOPMed 0.00002; 1000 Genomes Project 30x 0.00016; 1000 Genomes Project 0.00020.

Submissions (3):

Ambry Genetics
Classification: Uncertain significance for Inborn genetic diseases. Last evaluated: 2026-03-02. Review status: criteria provided, single submitter. Criteria: Ambry Variant Classification Scheme 2023. Collection method: clinical testing. Allele origin: germline.

Fulgent Genetics
Classification: Uncertain significance for Bartter disease type 3; Bartter disease type 4B. Last evaluated: 2024-01-30. Review status: criteria provided, single submitter. Criteria: ACMG Guidelines, 2015. Collection method: clinical testing. Allele origin: germline.

Labcorp Genetics (formerly Invitae), Labcorp
Classification: Uncertain significance. Last evaluated: 2022-08-09. Review status: criteria provided, single submitter. Criteria: Invitae Variant Classification Sherloc (09022015). Collection method: clinical testing. Allele origin: germline.
Comment: In summary, the available evidence is currently insufficient to determine the role of this variant in disease. Therefore, it has been classified as a Variant of Uncertain Significance. Advanced modeling of protein sequence and biophysical properties (such as structural, functional, and spatial information, amino acid conservation, physicochemical variation, residue mobility, and thermodynamic stability) performed at Invitae indicates that this missense variant is not expected to disrupt CLCNKB protein function. This variant has not been reported in the literature in individuals affected with CLCNKB-related conditions. This variant is present in population databases (rs527773080, gnomAD 0.007%). This sequence change replaces serine, which is neutral and polar, with threonine, which is neutral and polar, at codon 113 of the CLCNKB protein (p.Ser113Thr).